The following is an entry in ClinVar:

NM_019055.6(ROBO4):c.1529A>T (p.Asp510Val)

Gene: ROBO4 (roundabout guidance receptor 4; minus strand). Cytogenetic location: 11q24.2.
Variant type: single nucleotide variant.
Coding change: c.1529A>T on transcript NM_019055.6 (MANE Select); coding-DNA position 1529, A replaced by T.
Protein change: p.Asp510Val; replaces aspartic acid 510 with valine.
Molecular consequence: missense variant.
Genome position (GRCh38, 1-based): chr11:124,893,706, T>A on the plus strand (A>T on the coding strand, the complement: ROBO4 is on the minus strand). VCF-style: chr11-124893706-T-A. GRCh37 (hg19) VCF-style: chr11-124763602-T-A.
Other names: c.1094A>T, p.Asp365Val (NM_001301088.2); short protein forms D510V, D365V.
Identifiers: ClinVar variation 560403 (VCV000560403.3), dbSNP rs1565325937, ClinGen allele CA383169126.

ClinVar aggregate classification (germline): Uncertain significance (1 of 4 stars; one submission).

Conditions:
Bicuspid aortic valve. Identifiers: MedGen C0149630, HP:0001647.
Ascending tubular aorta aneurysm. Also called: Ascending aortic dilation; Dilatation of the ascending aorta; Ascending aortic aneurysm. Identifiers: MedGen C0856747, HP:0004970.

Submission:

Baylor-Hopkins Center for Mendelian Genomics, Johns Hopkins University School of Medicine
Classification: Uncertain significance for Bicuspid aortic valve; Dilatation of ascending aorta. Review status: criteria provided, single submitter. Criteria: Gould et al., Nature Genet 2019. Collection method: research. Allele origin: unknown. Affected: no. Observed: 1 variant allele.
Comment: Possible example of incomplete penetrance.